The following is an entry in ClinVar:

ClinVar aggregate classification (germline): Pathogenic/Likely pathogenic. Review status: criteria provided, multiple submitters, no conflicts (2 of 4 stars). 2 submissions from 2 submitters: Pathogenic (1); Likely pathogenic (1). Last evaluated 2023-10-13.

Conditions:
Primary ciliary dyskinesia. Also called: Ciliary dyskinesia. Identifiers: Orphanet 244, MedGen C0008780, MONDO:0016575, HP:0012265.
Primary ciliary dyskinesia 7. Also called: CILIARY DYSKINESIA, PRIMARY, 7, WITH OR WITHOUT SITUS INVERSUS. Identifiers: Orphanet 244, MedGen C2678473, MONDO:0012748, OMIM 611884.

Allele frequency attached by ClinVar (database versions not stated): gnomAD exomes below 0.00001; ExAC 0.00001.

Submissions (2):

Labcorp Genetics (formerly Invitae), Labcorp
Classification: Pathogenic for Primary ciliary dyskinesia. Last evaluated: 2023-10-13. Review status: criteria provided, single submitter. Criteria: Invitae Variant Classification Sherloc (09022015). Collection method: clinical testing. Allele origin: germline.
Comment: This sequence change creates a premature translational stop signal (p.Ser1988*) in the DNAH11 gene. It is expected to result in an absent or disrupted protein product. Loss-of-function variants in DNAH11 are known to be pathogenic (PMID: 18022865, 20513915, 22184204). The frequency data for this variant in the population databases is considered unreliable, as metrics indicate poor data quality at this position in the gnomAD database. This variant has not been reported in the literature in individuals affected with DNAH11-related conditions. For these reasons, this variant has been classified as Pathogenic.

Department of Pathology and Laboratory Medicine, Sinai Health System
Classification: Likely pathogenic for Primary ciliary dyskinesia 7. Last evaluated: 2023-02-15. Review status: criteria provided, single submitter. Criteria: ACMG Guidelines, 2015. Collection method: research. Allele origin: germline.

Literature cited by the submitters: PubMed 18022865 (cited by Labcorp Genetics (formerly Invitae), Labcorp); PubMed 20513915 (cited by Labcorp Genetics (formerly Invitae), Labcorp); PubMed 22184204 (cited by Labcorp Genetics (formerly Invitae), Labcorp).

NM_001277115.2(DNAH11):c.5963del (p.Pro1987_Ser1988insTer)

Gene: DNAH11 (dynein axonemal heavy chain 11; plus strand). Cytogenetic location: 7p15.3.
Variant type: Deletion.
Coding change: c.5963del on transcript NM_001277115.2 (MANE Select); coding-DNA position 5963, one base deleted (C; older notation c.5963delC).
Protein change: p.Pro1987_Ser1988insTer.
Molecular consequence: nonsense. On other transcripts: frameshift variant (1).
Genome position (GRCh38, 1-based): chr7:21,690,803, C deleted. VCF-style (leftmost placement, unchanged base first): chr7-21690802-TC-T. GRCh37 (hg19) VCF-style: chr7-21730420-TC-T.
Other names: c.5984delC, p.Ser1995Terfs (NM_003777.3).
Identifiers: ClinVar variation 2805416 (VCV002805416.4), dbSNP rs747957553, ClinGen allele CA4180622.